The following is an entry in ClinVar:

NM_015541.3(LRIG1):c.2808C>T (p.Thr936=)

Gene: LRIG1 (leucine rich repeats and immunoglobulin like domains 1; minus strand). Cytogenetic location: 3p14.1.
Variant type: single nucleotide variant.
Coding change: c.2808C>T on transcript NM_015541.3 (MANE Select); coding-DNA position 2808, C replaced by T.
Protein change: p.Thr936=; no amino-acid change (threonine 936 retained).
Molecular consequence: synonymous variant.
Genome position (GRCh38, 1-based): chr3:66,380,824, G>A on the plus strand (C>T on the coding strand, the complement: LRIG1 is on the minus strand). VCF-style: chr3-66380824-G-A. GRCh37 (hg19) VCF-style: chr3-66431248-G-A.
Other names: c.2733C>T, p.Thr911= (NM_001377344.1); c.2028C>T, p.Thr676= (NM_001377345.1, NM_001377346.1); c.1806C>T, p.Thr602= (NM_001377347.1); c.1779C>T, p.Thr593= (NM_001377348.1); c.1524C>T, p.Thr508= (NM_001377349.1).
Identifiers: ClinVar variation 3035198 (VCV003035198.2), dbSNP rs35066235, ClinGen allele CA2484150.

ClinVar aggregate classification (germline): Likely benign (0 of 4 stars; one submission).

Conditions:
LRIG1-related disorder. Also called: LRIG1-related condition.

Allele frequency attached by ClinVar (database versions not stated): ExAC 0.00082; 1000 Genomes Project 0.00260; TOPMed 0.00290; ESP Exome Variant Server 0.00300; 1000 Genomes Project 30x 0.00328.
gnomAD v4.1: 808 of 1,614,178 alleles (0.05%); highest among the groups gnomAD compares: African/African-American, 0.9%; 5 homozygotes.

Submission:

PreventionGenetics, part of Exact Sciences
Classification: Likely benign for LRIG1-related condition. Last evaluated: 2019-03-18. Review status: no assertion criteria provided. Collection method: clinical testing. Allele origin: germline.
Comment: This variant is classified as likely benign based on ACMG/AMP sequence variant interpretation guidelines (Richards et al. 2015 PMID: 25741868, with internal and published modifications).